The following is an entry in ClinVar:

NM_006231.4(POLE):c.3353C>T (p.Ser1118Phe)

Gene: POLE (DNA polymerase epsilon, catalytic subunit; minus strand). Cytogenetic location: 12q24.33.
Variant type: single nucleotide variant.
Coding change: c.3353C>T on transcript NM_006231.4 (MANE Select); coding-DNA position 3353, C replaced by T.
Protein change: p.Ser1118Phe; replaces serine 1118 with phenylalanine.
Molecular consequence: missense variant.
Genome position (GRCh38, 1-based): chr12:132,657,893, G>A on the plus strand (C>T on the coding strand, the complement: POLE is on the minus strand). VCF-style: chr12-132657893-G-A. GRCh37 (hg19) VCF-style: chr12-133234479-G-A.
Other names: short protein forms S1118F.
Identifiers: ClinVar variation 939597 (VCV000939597.9), dbSNP rs2042581222, ClinGen allele CA387389627.

ClinVar aggregate classification (germline): Uncertain significance (1 of 4 stars; one submission).

Submission:

Labcorp Genetics (formerly Invitae), Labcorp
Classification: Uncertain significance. Last evaluated: 2025-11-23. Review status: criteria provided, single submitter. Criteria: Invitae Variant Classification Sherloc (09022015). Collection method: clinical testing. Allele origin: germline.
Comment: This sequence change replaces serine, which is neutral and polar, with phenylalanine, which is neutral and non-polar, at codon 1118 of the POLE protein (p.Ser1118Phe). This variant is not present in population databases (gnomAD no frequency). This variant has not been reported in the literature in individuals affected with POLE-related conditions. ClinVar contains an entry for this variant (Variation ID: 939597). Invitae Evidence Modeling of protein sequence and biophysical properties (such as structural, functional, and spatial information, amino acid conservation, physicochemical variation, residue mobility, and thermodynamic stability) indicates that this missense variant is not expected to disrupt POLE protein function with a negative predictive value of 80%. In summary, the available evidence is currently insufficient to determine the role of this variant in disease. Therefore, it has been classified as a Variant of Uncertain Significance.